The following is an entry in ClinVar:

ClinVar aggregate classification (germline): Likely benign. Review status: criteria provided, multiple submitters, no conflicts (2 of 4 stars). 2 submissions from 2 submitters: Likely benign (2). Last evaluated 2024-02-07.

Allele frequency attached by ClinVar (database versions not stated): TOPMed 0.00005; gnomAD 0.00010.

Submissions (2):

Labcorp Genetics (formerly Invitae), Labcorp
Classification: Likely benign. Last evaluated: 2024-02-07. Review status: criteria provided, single submitter. Criteria: Invitae Variant Classification Sherloc (09022015). Collection method: clinical testing. Allele origin: germline.

GeneDx
Classification: Likely benign. Last evaluated: 2016-04-25. Review status: criteria provided, single submitter. Criteria: GeneDx Variant Classification (06012015). Collection method: clinical testing. Allele origin: germline. Affected: yes.
Comment: This variant is considered likely benign or benign based on one or more of the following criteria: it is a conservative change, it occurs at a poorly conserved position in the protein, it is predicted to be benign by multiple in silico algorithms, and/or has population frequency not consistent with disease.

NM_004046.6(ATP5F1A):c.1257C>A (p.Ser419=)

Gene: ATP5F1A (ATP synthase F1 subunit alpha; minus strand). Cytogenetic location: 18q21.1.
Variant type: single nucleotide variant.
Coding change: c.1257C>A on transcript NM_004046.6 (MANE Select); coding-DNA position 1257, C replaced by A.
Protein change: p.Ser419=; no amino-acid change (serine 419 retained).
Molecular consequence: synonymous variant.
Genome position (GRCh38, 1-based): chr18:46,086,414, G>T on the plus strand (C>A on the coding strand, the complement: ATP5F1A is on the minus strand). VCF-style: chr18-46086414-G-T. GRCh37 (hg19) VCF-style: chr18-43666380-G-T.
Other names: c.1107C>A, p.Ser369= (NM_001001935.3, NM_001257335.2); c.1257C>A, p.Ser419= (NM_001001937.2); c.1191C>A, p.Ser397= (NM_001257334.2).
Identifiers: ClinVar variation 385017 (VCV000385017.3), dbSNP rs750265360, ClinGen allele CA8950618.